The following is an entry in ClinVar:

ClinVar aggregate classification (germline): Uncertain significance (1 of 4 stars; one submission).

Conditions:
Early-infantile DEE. Also called: Ohtahara syndrome; Early infantile epileptic encephalopathy; Early infantile epileptic encephalopathy with suppression bursts. Identifiers: Orphanet 1934, MedGen C0393706, MONDO:0800491.

Submission:

Labcorp Genetics (formerly Invitae), Labcorp
Classification: Uncertain significance for Early-infantile DEE. Last evaluated: 2024-10-05. Review status: criteria provided, single submitter. Criteria: Invitae Variant Classification Sherloc (09022015). Collection method: clinical testing. Allele origin: germline.
Comment: This sequence change falls in intron 4 of the SCN1A gene. It does not directly change the encoded amino acid sequence of the SCN1A protein. It affects a nucleotide within the consensus splice site. This variant is not present in population databases (gnomAD no frequency). This variant has not been reported in the literature in individuals affected with SCN1A-related conditions. Variants that disrupt the consensus splice site are a relatively common cause of aberrant splicing (PMID: 17576681, 9536098). Algorithms developed to predict the effect of sequence changes on RNA splicing suggest that this variant is not likely to affect RNA splicing. In summary, the available evidence is currently insufficient to determine the role of this variant in disease. Therefore, it has been classified as a Variant of Uncertain Significance.

Literature cited by the submitters: PubMed 17576681; PubMed 9536098.

NM_001165963.4(SCN1A):c.603-3C>A

Gene: SCN1A (sodium voltage-gated channel alpha subunit 1; minus strand). Cytogenetic location: 2q24.3.
Variant type: single nucleotide variant.
Coding change: c.603-3C>A on transcript NM_001165963.4 (MANE Select); 3 bases into the intron before coding-DNA position 603, C replaced by A.
Molecular consequence: intron variant.
Genome position (GRCh38, 1-based): chr2:166,052,946, G>T on the plus strand (C>A on the coding strand, the complement: SCN1A is on the minus strand). VCF-style: chr2-166052946-G-T. GRCh37 (hg19) VCF-style: chr2-166909456-G-T.
Other names: c.603-3C>A (NM_001353949.2, NM_001353958.2, NM_001353950.2 and 10 more transcripts); c.-1823-3C>A (NM_001353961.2).
Identifiers: ClinVar variation 3653316 (VCV003653316.2).